The following is an entry in ClinVar:

ClinVar aggregate classification (germline): Uncertain significance. Review status: criteria provided, multiple submitters, no conflicts (2 of 4 stars). 2 submissions from 2 submitters: Uncertain significance (2). Last evaluated 2026-07-06.

Conditions:
Deafness-lymphedema-leukemia syndrome. Also called: Lymphedema, primary, with myelodysplasia; Emberger syndrome. Identifiers: Orphanet 3226, MedGen C3279664, MONDO:0013540, OMIM 614038.
Monocytopenia with susceptibility to infections. Also called: MONOCYTOPENIA AND MYCOBACTERIAL INFECTION SYNDROME; MONOCYTOPENIA WITH SUSCEPTIBILITY TO MYCOBACTERIAL, FUNGAL, AND PAPILLOMAVIRUS INFECTIONS AND MYELODYSPLASIA; COMBINED IMMUNODEFICIENCY WITH SUSCEPTIBILITY TO MYCOBACTERIAL, VIRAL, AND FUNGAL INFECTIONS; Dendritic cell, monocyte, B lymphocyte, and natural killer lymphocyte deficiency; IMMUNODEFICIENCY 21; GATA2 DEFICIENCY. Identifiers: Orphanet 228423, MedGen C3280030, MONDO:0013607, OMIM 614172.
Inborn genetic diseases. Identifiers: MedGen C0950123, MeSH D030342.

Allele frequency attached by ClinVar (database versions not stated): gnomAD exomes below 0.00001.

Submissions (2):

Ambry Genetics
Classification: Uncertain significance for Inborn genetic diseases. Last evaluated: 2026-07-06. Review status: criteria provided, single submitter. Criteria: Ambry Variant Classification Scheme 2023. Collection method: clinical testing. Allele origin: germline.
Comment: The p.K281R variant (also known as c.842A>G), located in coding exon 2 of the GATA2 gene, results from an A to G substitution at nucleotide position 842. The lysine at codon 281 is replaced by arginine, an amino acid with highly similar properties. This amino acid position is conserved. In addition, the in silico prediction for this alteration is inconclusive. Based on the available evidence, the clinical significance of this variant remains unclear.

Labcorp Genetics (formerly Invitae), Labcorp
Classification: Uncertain significance for Monocytopenia with susceptibility to infections; Deafness-lymphedema-leukemia syndrome. Last evaluated: 2021-06-01. Review status: criteria provided, single submitter. Criteria: Invitae Variant Classification Sherloc (09022015). Collection method: clinical testing. Allele origin: germline.
Comment: In summary, the available evidence is currently insufficient to determine the role of this variant in disease. Therefore, it has been classified as a Variant of Uncertain Significance. This sequence change replaces lysine with arginine at codon 281 of the GATA2 protein (p.Lys281Arg). The lysine residue is moderately conserved and there is a small physicochemical difference between lysine and arginine. This variant is not present in population databases (ExAC no frequency). This variant has not been reported in the literature in individuals with GATA2-related conditions. Algorithms developed to predict the effect of missense changes on protein structure and function are either unavailable or do not agree on the potential impact of this missense change (SIFT: "Tolerated"; PolyPhen-2: "Probably Damaging"; Align-GVGD: "Class C0"). Algorithms developed to predict the effect of sequence changes on RNA splicing suggest that this variant may create or strengthen a splice site, but this prediction has not been confirmed by published transcriptional studies.

NM_032638.5(GATA2):c.842A>G (p.Lys281Arg)

Gene: GATA2 (GATA binding protein 2; minus strand). Cytogenetic location: 3q21.3.
Variant type: single nucleotide variant.
Coding change: c.842A>G on transcript NM_032638.5 (MANE Select); coding-DNA position 842, A replaced by G.
Protein change: p.Lys281Arg; replaces lysine 281 with arginine.
Molecular consequence: missense variant.
Genome position (GRCh38, 1-based): chr3:128,485,756, T>C on the plus strand (A>G on the coding strand, the complement: GATA2 is on the minus strand). VCF-style: chr3-128485756-T-C. GRCh37 (hg19) VCF-style: chr3-128204599-T-C.
Other names: c.842A>G, p.Lys281Arg (NM_001145661.2, NM_001145662.1); c.842A>G (NM_001145661.1); short protein forms K281R.
Identifiers: ClinVar variation 1345778 (VCV001345778.9), dbSNP rs2107671846, ClinGen allele CA354405151.